The following is an entry in ClinVar:

ClinVar aggregate classification (germline): Pathogenic (1 of 4 stars; one submission).

Conditions:
Peroxisome biogenesis disorder 3A (Zellweger). Also called: PEROXISOMAL BIOGENESIS DISORDER 3A (ZELLWEGER); Peroxisome biogenesis disorder 3A. Identifiers: Orphanet 912, MedGen C3553929, MONDO:0013927, OMIM 614859.

Submission:

Labcorp Genetics (formerly Invitae), Labcorp
Classification: Pathogenic for Peroxisome biogenesis disorder 3A (Zellweger). Last evaluated: 2023-10-09. Review status: criteria provided, single submitter. Criteria: Invitae Variant Classification Sherloc (09022015). Collection method: clinical testing. Allele origin: germline.
Comment: This sequence change affects a donor splice site in intron 1 of the PEX12 gene. It is expected to disrupt RNA splicing. Variants that disrupt the donor or acceptor splice site typically lead to a loss of protein function (PMID: 16199547), and loss-of-function variants in PEX12 are known to be pathogenic (PMID: 9090384, 9632816, 21031596). This variant is not present in population databases (gnomAD no frequency). Disruption of this splice site has been observed in individuals with PEX12-related conditions (PMID: 9792857, 21031596). Algorithms developed to predict the effect of sequence changes on RNA splicing suggest that this variant may disrupt the consensus splice site. For these reasons, this variant has been classified as Pathogenic.

Literature cited by the submitters: PubMed 16199547; PubMed 9090384; PubMed 9632816; PubMed 21031596; PubMed 9792857.

NM_000286.3(PEX12):c.126+1G>C

Gene: PEX12 (peroxisomal biogenesis factor 12; minus strand). Cytogenetic location: 17q12.
Variant type: single nucleotide variant.
Coding change: c.126+1G>C on transcript NM_000286.3 (MANE Select); the canonical splice donor site of the intron after coding-DNA position 126, G replaced by C.
Molecular consequence: splice donor variant.
Genome position (GRCh38, 1-based): chr17:35,577,895, C>G on the plus strand (G>C on the coding strand, the complement: PEX12 is on the minus strand). VCF-style: chr17-35577895-C-G. GRCh37 (hg19) VCF-style: chr17-33904914-C-G.
Identifiers: ClinVar variation 2965008 (VCV002965008.3), dbSNP rs144259891, ClinGen allele CA399138816.
Genomic context (GRCh38, chr17:35,577,895, plus strand): 5'-AATTATTCGTTTGTTTTTTACCCAGTTGTCCCTAAAACCTTTCCAAGAATTAATACCTTA[C>G]CTTGACCACATGCTGAAGAGCGGGTCTCACTGCTGTCATTAAACTGTCCTGTGCTACCAC-3'